The following is an entry in ClinVar:

ClinVar aggregate classification (germline): Pathogenic. Review status: criteria provided, multiple submitters, no conflicts (2 of 4 stars). 3 submissions from 3 submitters: Pathogenic (3). Last evaluated 2024-02-12.

Conditions:
STK11-related disorder. Also called: STK11-related condition.
Hereditary cancer-predisposing syndrome. Also called: Tumor predisposition; Neoplastic Syndromes, Hereditary; Hereditary neoplastic syndrome; Hereditary Cancer Syndrome. Identifiers: Orphanet 140162, MedGen C0027672, MeSH D009386, MONDO:0015356.
Peutz-Jeghers syndrome (PJS). Also called: POLYPOSIS, HAMARTOMATOUS INTESTINAL; POLYPS-AND-SPOTS SYNDROME; Peutz-Jeghers polyposis; Periorificial lentiginosis syndrome. Identifiers: Orphanet 2869, MedGen C0031269, MeSH D010580, MONDO:0008280, OMIM 175200.

Submissions (3):

Myriad Genetics, Inc.
Classification: Pathogenic for Peutz-Jeghers syndrome. Last evaluated: 2024-02-12. Review status: criteria provided, single submitter. Criteria: Myriad Autosomal Dominant, Autosomal Recessive and X-Linked Classification Criteria (2023). Collection method: clinical testing. Allele origin: unknown.
Comment: This variant is considered pathogenic. This variant creates a termination codon and is predicted to result in premature protein truncation.

Blueprint Genetics
Classification: Pathogenic for STK11-related disorders. Last evaluated: 2021-01-19. Review status: criteria provided, single submitter. Criteria: ACMG Guidelines, 2015. Collection method: clinical testing. Allele origin: germline. Affected: yes. Observed: 1 variant allele.

Ambry Genetics
Classification: Pathogenic for Hereditary cancer-predisposing syndrome. Last evaluated: 2016-09-15. Review status: criteria provided, single submitter. Criteria: Ambry Variant Classification Scheme 2023. Collection method: clinical testing. Allele origin: germline.
Comment: The p.Q137* pathogenic mutation (also known as c.409C>T), located in coding exon 3 of the STK11 gene, results from a C to T substitution at nucleotide position 409. This changes the amino acid from a glutamine to a stop codon within coding exon 3. This alteration was previously reported in three unrelated individuals with confirmed or suspected Peutz-Jegher syndrome (PJS) based on personal history of mucocutaneous hyperpigmentation and gastrointestinal polyps with or without a family history of PJS-related malignancies (Amos CI et al. J. Med. Genet. 2004 May;41:327-33). In addition to the clinical data presented in the literature, this alteration is expected to result in loss of function by premature protein truncation or nonsense-mediated mRNA decay. As such, this alteration is interpreted as a disease-causing mutation.

Literature cited by the submitters: PubMed 15121768 (cited by Ambry Genetics).

NM_000455.5(STK11):c.409C>T (p.Gln137Ter)

Gene: STK11 (serine/threonine kinase 11; plus strand). Cytogenetic location: 19p13.3.
Variant type: single nucleotide variant.
Coding change: c.409C>T on transcript NM_000455.5 (MANE Select); coding-DNA position 409, C replaced by T.
Protein change: p.Gln137Ter; replaces glutamine 137 with a stop codon.
Molecular consequence: nonsense.
Genome position (GRCh38, 1-based): chr19:1,219,358, C>T. VCF-style: chr19-1219358-C-T. GRCh37 (hg19) VCF-style: chr19-1219357-C-T.
Other names: short protein forms Q137*.
Identifiers: ClinVar variation 182896 (VCV000182896.6), dbSNP rs730881970, ClinGen allele CA022914.